The following is an entry in ClinVar:

ClinVar aggregate classification (germline): Uncertain significance. Review status: criteria provided, multiple submitters, no conflicts (2 of 4 stars). 2 submissions from 2 submitters: Uncertain significance (2). Last evaluated 2025-01-19.

gnomAD v4.1: 10 of 1,613,756 alleles (0.00062%); highest among the groups gnomAD compares: South Asian, 0.0022%; no homozygotes.

Submissions (2):

Ambry Genetics
Classification: Uncertain significance. Last evaluated: 2025-01-19. Review status: criteria provided, single submitter. Criteria: Ambry Variant Classification Scheme 2023. Collection method: clinical testing. Allele origin: germline.

Labcorp Genetics (formerly Invitae), Labcorp
Classification: Uncertain significance. Last evaluated: 2020-12-17. Review status: criteria provided, single submitter. Criteria: Invitae Variant Classification Sherloc (09022015). Collection method: clinical testing. Allele origin: germline.
Comment: Algorithms developed to predict the effect of missense changes on protein structure and function (SIFT, PolyPhen-2, Align-GVGD) all suggest that this variant is likely to be disruptive, but these predictions have not been confirmed by published functional studies and their clinical significance is uncertain. In summary, the available evidence is currently insufficient to determine the role of this variant in disease. Therefore, it has been classified as a Variant of Uncertain Significance. This variant has not been reported in the literature in individuals with TUBA8-related conditions. This variant is not present in population databases (ExAC no frequency). This sequence change replaces arginine with histidine at codon 264 of the TUBA8 protein (p.Arg264His). The arginine residue is highly conserved and there is a small physicochemical difference between arginine and histidine.

NM_018943.3(TUBA8):c.791G>A (p.Arg264His)

Gene: TUBA8 (tubulin alpha 8; plus strand). Cytogenetic location: 22q11.21.
Variant type: single nucleotide variant.
Coding change: c.791G>A on transcript NM_018943.3 (MANE Select); coding-DNA position 791, G replaced by A.
Protein change: p.Arg264His; replaces arginine 264 with histidine.
Molecular consequence: missense variant.
Genome position (GRCh38, 1-based): chr22:18,126,769, G>A. VCF-style: chr22-18126769-G-A. GRCh37 (hg19) VCF-style: chr22-18609536-G-A.
Other names: c.791G>A (NM_018943.2); c.593G>A, p.Arg198His (NM_001193414.2); short protein forms R198H, R264H.
Identifiers: ClinVar variation 1356819 (VCV001356819.9), dbSNP rs774116816, ClinGen allele CA410264223.
Genomic context (GRCh38, chr22:18,126,769, plus strand): 5'-TTGACGGGGCCCTCAATGTGGACCTCACTGAGTTCCAGACCAACCTGGTGCCCTACCCCC[G>A]CATCCACTTCCCGCTGGTCACCTACGCGCCCATCATCTCTGCCGAGAAAGCCTATCACGA-3'
Protein context (NP_061816.1, residues 254-274): EFQTNLVPYP[Arg264His]IHFPLVTYAP